The following is an entry in ClinVar:

NM_006623.4(PHGDH):c.69G>C (p.Leu23Phe)

Gene: PHGDH (phosphoglycerate dehydrogenase; plus strand). Cytogenetic location: 1p12.
Variant type: single nucleotide variant.
Coding change: c.69G>C on transcript NM_006623.4 (MANE Select); coding-DNA position 69, G replaced by C.
Protein change: p.Leu23Phe; replaces leucine 23 with phenylalanine.
Molecular consequence: missense variant.
Genome position (GRCh38, 1-based): chr1:119,712,091, G>C. VCF-style: chr1-119712091-G-C. GRCh37 (hg19) VCF-style: chr1-120254714-G-C.
Other names: short protein forms L23F.
Identifiers: ClinVar variation 1446120 (VCV001446120.6), dbSNP rs2101136517, ClinGen allele CA341414904.
Genomic context (GRCh38, chr1:119,712,091, plus strand): 5'-TGCAAATCTGCGGAAAGTGCTCATCAGTGACAGCCTGGACCCTTGCTGCCGGAAGATCTT[G>C]CAAGATGGAGGGCTGCAGGTGGTGGAAAAGCAGAACCTTAGCAAAGAGGAGCTGATAGCG-3'
Protein context (NP_006614.2, residues 13-33): DSLDPCCRKI[Leu23Phe]QDGGLQVVEK

ClinVar aggregate classification (germline): Uncertain significance (1 of 4 stars; one submission).

Conditions:
PHGDH deficiency. Identifiers: Orphanet 79351, MedGen C1866174, MONDO:0011152, OMIM 601815.

gnomAD v4.1: 1 of 1,614,146 alleles (0.000062%); no homozygotes.

Submission:

Labcorp Genetics (formerly Invitae), Labcorp
Classification: Uncertain significance for PHGDH deficiency. Last evaluated: 2021-11-19. Review status: criteria provided, single submitter. Criteria: Invitae Variant Classification Sherloc (09022015). Collection method: clinical testing. Allele origin: germline.
Comment: In summary, the available evidence is currently insufficient to determine the role of this variant in disease. Therefore, it has been classified as a Variant of Uncertain Significance. Algorithms developed to predict the effect of missense changes on protein structure and function are either unavailable or do not agree on the potential impact of this missense change (SIFT: "Tolerated"; PolyPhen-2: "Possibly Damaging"; Align-GVGD: "Class C0"). This variant has not been reported in the literature in individuals affected with PHGDH-related conditions. This variant is not present in population databases (gnomAD no frequency). This sequence change replaces leucine, which is neutral and non-polar, with phenylalanine, which is neutral and non-polar, at codon 23 of the PHGDH protein (p.Leu23Phe).